The following is an entry in ClinVar:

ClinVar aggregate classification (germline): Likely benign. Review status: criteria provided, multiple submitters, no conflicts (2 of 4 stars). 2 submissions from 2 submitters: Likely benign (2). Last evaluated 2026-01-13.

Conditions:
Neurodegeneration with brain iron accumulation 6 (NBIA6). Also called: COASY protein-associated neurodegeneration. Identifiers: Orphanet 397725, MedGen C4517377, MONDO:0014290, OMIM 615643.

Submissions (2):

Labcorp Genetics (formerly Invitae), Labcorp
Classification: Likely benign for Neurodegeneration with brain iron accumulation 6. Last evaluated: 2026-01-13. Review status: criteria provided, single submitter. Criteria: Invitae Variant Classification Sherloc (09022015). Collection method: clinical testing. Allele origin: germline.

GeneDx
Classification: Likely benign. Last evaluated: 2017-05-23. Review status: criteria provided, single submitter. Criteria: GeneDx Variant Classification (06012015). Collection method: clinical testing. Allele origin: germline. Affected: yes.
Comment: This variant is considered likely benign or benign based on one or more of the following criteria: it is a conservative change, it occurs at a poorly conserved position in the protein, it is predicted to be benign by multiple in silico algorithms, and/or has population frequency not consistent with disease.

NM_025233.7(COASY):c.1302+19del

Gene: COASY (Coenzyme A synthase; plus strand). Cytogenetic location: 17q21.2.
Variant type: Deletion.
Coding change: c.1302+19del on transcript NM_025233.7 (MANE Select); 19 bases into the intron after coding-DNA position 1302, one base deleted (A; older notation c.1302+19delA).
Molecular consequence: intron variant.
Genome position (GRCh38, 1-based): chr17:42,565,066, A deleted; the last of 2 consecutive A bases (chr17:42,565,065-42,565,066); deleting either gives the same sequence. VCF-style (leftmost placement, unchanged base first): chr17-42565064-TA-T. GRCh37 (hg19) VCF-style: chr17-40717082-TA-T.
Other names: c.1389+19del (NM_001042532.4); c.1302+19del (NM_001042529.3); c.1302+19delA (NM_025233.6).
Identifiers: ClinVar variation 422152 (VCV000422152.2), dbSNP rs778587218, ClinGen allele CA8578254.